The following is an entry in ClinVar:

ClinVar aggregate classification (germline): Uncertain significance (1 of 4 stars; one submission).

Conditions:
Inborn genetic diseases. Identifiers: MedGen C0950123, MeSH D030342.

Submission:

Ambry Genetics
Classification: Uncertain significance for Inborn genetic diseases. Last evaluated: 2023-03-08. Review status: criteria provided, single submitter. Criteria: Ambry Variant Classification Scheme 2023. Collection method: clinical testing. Allele origin: germline.
Comment: The p.N1540S variant (also known as c.4619A>G), located in coding exon 32 of the LRRK2 gene, results from an A to G substitution at nucleotide position 4619. The asparagine at codon 1540 is replaced by serine, an amino acid with highly similar properties. This amino acid position is conserved. In addition, this alteration is predicted to be tolerated by in silico analysis. Since supporting evidence is limited at this time, the clinical significance of this alteration remains unclear.

NM_198578.4(LRRK2):c.4619A>G (p.Asn1540Ser)

Gene: LRRK2 (leucine rich repeat kinase 2; plus strand). Cytogenetic location: 12q12.
Variant type: single nucleotide variant.
Coding change: c.4619A>G on transcript NM_198578.4 (MANE Select); coding-DNA position 4619, A replaced by G.
Protein change: p.Asn1540Ser; replaces asparagine 1540 with serine.
Molecular consequence: missense variant.
Genome position (GRCh38, 1-based): chr12:40,314,054, A>G. VCF-style: chr12-40314054-A-G. GRCh37 (hg19) VCF-style: chr12-40707856-A-G.
Other names: short protein forms N1540S.
Identifiers: ClinVar variation 2453146 (VCV002453146.2), dbSNP rs2499846201, ClinGen allele CA384418909.